The following is an entry in ClinVar:

NM_001999.4(FBN2):c.5196C>T (p.Cys1732=)

Gene: FBN2 (fibrillin 2; minus strand). Cytogenetic location: 5q23.3.
Variant type: single nucleotide variant.
Coding change: c.5196C>T on transcript NM_001999.4 (MANE Select); coding-DNA position 5196, C replaced by T.
Protein change: p.Cys1732=; no amino-acid change (cysteine 1732 retained).
Molecular consequence: synonymous variant.
Genome position (GRCh38, 1-based): chr5:128,309,987, G>A on the plus strand (C>T on the coding strand, the complement: FBN2 is on the minus strand). VCF-style: chr5-128309987-G-A. GRCh37 (hg19) VCF-style: chr5-127645679-G-A.
Identifiers: ClinVar variation 518115 (VCV000518115.4), dbSNP rs1554120180, ClinGen allele CA446307132.

ClinVar aggregate classification (germline): Likely benign. Review status: criteria provided, multiple submitters, no conflicts (2 of 4 stars). 3 submissions from 3 submitters: Likely benign (3). Last evaluated 2026-07-04.

Conditions:
Congenital contractural arachnodactyly (CCA). Also called: BEALS SYNDROME; Beals-Hecht syndrome; Arthrogryposis, distal, type 9. Identifiers: Orphanet 115, MedGen C0220668, MONDO:0007363, OMIM 121050.
Familial thoracic aortic aneurysm and aortic dissection (TAAD). Also called: Thoracic aortic aneurysms and dissections. Identifiers: Orphanet 91387, MedGen C4707243, MONDO:0019625.

Allele frequency attached by ClinVar (database versions not stated): gnomAD exomes below 0.00001.
gnomAD v4.1: 1 of 1,613,800 alleles (0.000062%); highest among the groups gnomAD compares: Non-Finnish European, 0.000085%; no homozygotes.

Submissions (3):

Ambry Genetics
Classification: Likely benign for Familial thoracic aortic aneurysm and aortic dissection. Last evaluated: 2026-07-04. Review status: criteria provided, single submitter. Criteria: Ambry Variant Classification Scheme 2023. Collection method: clinical testing. Allele origin: germline.

Labcorp Genetics (formerly Invitae), Labcorp
Classification: Likely benign for Congenital contractural arachnodactyly. Last evaluated: 2024-09-23. Review status: criteria provided, single submitter. Criteria: Invitae Variant Classification Sherloc (09022015). Collection method: clinical testing. Allele origin: germline.

GeneDx
Classification: Likely benign. Last evaluated: 2017-06-22. Review status: criteria provided, single submitter. Criteria: GeneDx Variant Classification (06012015). Collection method: clinical testing. Allele origin: germline. Affected: yes.
Comment: This variant is considered likely benign or benign based on one or more of the following criteria: it is a conservative change, it occurs at a poorly conserved position in the protein, it is predicted to be benign by multiple in silico algorithms, and/or has population frequency not consistent with disease.